The following is an entry in ClinVar:

NM_001042492.3(NF1):c.8124T>A (p.Phe2708Leu)

Gene: NF1 (neurofibromin 1; plus strand). Cytogenetic location: 17q11.2.
Variant type: single nucleotide variant.
Coding change: c.8124T>A on transcript NM_001042492.3 (MANE Select); coding-DNA position 8124, T replaced by A.
Protein change: p.Phe2708Leu; replaces phenylalanine 2708 with leucine.
Molecular consequence: missense variant.
Genome position (GRCh38, 1-based): chr17:31,358,979, T>A. VCF-style: chr17-31358979-T-A. GRCh37 (hg19) VCF-style: chr17-29685997-T-A.
Other names: c.8061T>A, p.Phe2687Leu (NM_000267.4); short protein forms F2708L, F2687L.
Identifiers: ClinVar variation 1357720 (VCV001357720.8), dbSNP rs2151585975, ClinGen allele CA399204123.

ClinVar aggregate classification (germline): Uncertain significance (1 of 4 stars; one submission).

Conditions:
Neurofibromatosis, type 1 (NF1). Also called: NEUROFIBROMATOSIS, TYPE I, SOMATIC; VON RECKLINGHAUSEN DISEASE; Neurofibromatosis, type I; Peripheral type neurofibromatosis. Identifiers: Orphanet 636, MedGen C0027831, MONDO:0018975, OMIM 162200. Disease mechanism: loss of function.

Submission:

Labcorp Genetics (formerly Invitae), Labcorp
Classification: Uncertain significance for Neurofibromatosis, type 1. Last evaluated: 2020-12-19. Review status: criteria provided, single submitter. Criteria: Invitae Variant Classification Sherloc (09022015). Collection method: clinical testing. Allele origin: germline.
Comment: In summary, the available evidence is currently insufficient to determine the role of this variant in disease. Therefore, it has been classified as a Variant of Uncertain Significance. Algorithms developed to predict the effect of missense changes on protein structure and function are either unavailable or do not agree on the potential impact of this missense change (SIFT: "Deleterious"; PolyPhen-2: "Probably Damaging"; Align-GVGD: "Class C0"). This variant has not been reported in the literature in individuals with NF1-related conditions. This variant is not present in population databases (ExAC no frequency). This sequence change replaces phenylalanine with leucine at codon 2687 of the NF1 protein (p.Phe2687Leu). The phenylalanine residue is moderately conserved and there is a small physicochemical difference between phenylalanine and leucine.